The following is an entry in ClinVar:

NM_001204.7(BMPR2):c.2221C>G (p.Gln741Glu)

Gene: BMPR2 (bone morphogenetic protein receptor type 2; plus strand). Cytogenetic location: 2q33.2.
Variant type: single nucleotide variant.
Coding change: c.2221C>G on transcript NM_001204.7 (MANE Select); coding-DNA position 2221, C replaced by G.
Protein change: p.Gln741Glu; replaces glutamine 741 with glutamic acid.
Molecular consequence: missense variant.
Genome position (GRCh38, 1-based): chr2:202,555,886, C>G. VCF-style: chr2-202555886-C-G. GRCh37 (hg19) VCF-style: chr2-203420609-C-G.
Other names: short protein forms Q741E.
Identifiers: ClinVar variation 4867637 (VCV004867637.1).

ClinVar aggregate classification (germline): Uncertain significance (1 of 4 stars; one submission).

Conditions:
Inborn genetic diseases. Identifiers: MedGen C0950123, MeSH D030342.

gnomAD v4.1: 1 of 1,614,176 alleles (0.000062%); highest among the groups gnomAD compares: Non-Finnish European, 0.000085%; no homozygotes.

Submission:

Ambry Genetics
Classification: Uncertain significance for Inborn genetic diseases. Last evaluated: 2026-05-17. Review status: criteria provided, single submitter. Criteria: Ambry Variant Classification Scheme 2023. Collection method: clinical testing. Allele origin: germline.
Comment: The p.Q741E variant (also known as c.2221C>G), located in coding exon 12 of the BMPR2 gene, results from a C to G substitution at nucleotide position 2221. The glutamine at codon 741 is replaced by glutamic acid, an amino acid with highly similar properties. This amino acid position is conserved. In addition, this alteration is predicted to be tolerated by in silico analysis. Based on the available evidence, the clinical significance of this variant remains unclear.